The following is an entry in ClinVar:

NM_001148.6(ANK2):c.2899G>C (p.Gly967Arg)

Gene: ANK2 (ankyrin 2; plus strand). Cytogenetic location: 4q26.
Variant type: single nucleotide variant.
Coding change: c.2899G>C on transcript NM_001148.6 (MANE Select); coding-DNA position 2899, G replaced by C.
Protein change: p.Gly967Arg; replaces glycine 967 with arginine.
Molecular consequence: missense variant.
Genome position (GRCh38, 1-based): chr4:113,318,619, G>C. VCF-style: chr4-113318619-G-C. GRCh37 (hg19) VCF-style: chr4-114239775-G-C.
Other names: c.2836G>C, p.Gly946Arg (NM_001127493.3, NM_001354243.2, NM_001354255.2 and 3 more transcripts); c.2911G>C, p.Gly971Arg (NM_001354225.2); c.2899G>C, p.Gly967Arg (NM_001354228.2, NM_001354232.2, NM_001354258.2 and 1 more transcripts); c.2941G>C, p.Gly981Arg (NM_001354230.2, NM_001354231.2, NM_001354237.2 and 1 more transcripts); c.2896G>C, p.Gly966Arg (NM_001354235.2, NM_001354236.2, NM_001354246.2 and 1 more transcripts); c.2833G>C, p.Gly945Arg (NM_001354239.2, NM_001354244.2, NM_001354252.2 and 3 more transcripts); c.2944G>C, p.Gly982Arg (NM_001354240.2, NM_001354241.2, NM_001386144.1); c.2800G>C, p.Gly934Arg (NM_001354245.2, NM_001354268.2); and 17 more; short protein forms G905R, G981R, G933R, G966R, G967R, G176R, G900R, G913R.
Identifiers: ClinVar variation 852598 (VCV000852598.9), dbSNP rs367583875, ClinGen allele CA3050698.
Genomic context (GRCh38, chr4:113,318,619, plus strand): 5'-CTAAGCTGGGGCACTGAGAACTTAGACAACGTGGCTCTTTCTTCTAGTCCTATTCATTCA[G>C]GGTGAGTAAATCAATATTATGTATCCTGATCAAGAGGTAAAAAGAGATGGGAGTGAAAAC-3'
Protein context (NP_001139.3, residues 957-977): VALSSSPIHS[Gly967Arg]FLVSFMVDAR

ClinVar aggregate classification (germline): Uncertain significance. Review status: criteria provided, multiple submitters, no conflicts (2 of 4 stars). 3 submissions from 3 submitters: Uncertain significance (3). Last evaluated 2025-08-09.

Conditions:
Cardiovascular phenotype. Identifiers: MedGen CN230736.
Long QT syndrome (LQTS). Identifiers: MedGen C0023976, MeSH D008133, MONDO:0002442. Disease mechanism: loss of function. Inheritance: Various modes of inheritance.

Allele frequency attached by ClinVar (database versions not stated): ExAC 0.00001; gnomAD 0.00001; gnomAD exomes 0.00001; TOPMed 0.00001; ESP Exome Variant Server 0.00008.
gnomAD v4.1: 10 of 1,605,994 alleles (0.00062%); highest among the groups gnomAD compares: Middle Eastern, 0.033%; 1 homozygote.

Submissions (3):

Ambry Genetics
Classification: Uncertain significance for Cardiovascular phenotype. Last evaluated: 2025-08-09. Review status: criteria provided, single submitter. Criteria: Ambry Variant Classification Scheme 2023. Collection method: clinical testing. Allele origin: germline.

Revvity Omics, Revvity
Classification: Uncertain significance. Last evaluated: 2024-01-02. Review status: criteria provided, single submitter. Criteria: ACMG Guidelines, 2015. Collection method: clinical testing. Allele origin: germline.

Labcorp Genetics (formerly Invitae), Labcorp
Classification: Uncertain significance for Long QT syndrome. Last evaluated: 2023-08-17. Review status: criteria provided, single submitter. Criteria: Invitae Variant Classification Sherloc (09022015). Collection method: clinical testing. Allele origin: germline.
Comment: This sequence change replaces glycine, which is neutral and non-polar, with arginine, which is basic and polar, at codon 967 of the ANK2 protein (p.Gly967Arg). This variant is present in population databases (rs367583875, gnomAD 0.003%). This variant has not been reported in the literature in individuals affected with ANK2-related conditions. ClinVar contains an entry for this variant (Variation ID: 852598). An algorithm developed to predict the effect of missense changes on protein structure and function (PolyPhen-2) suggests that this variant is likely to be disruptive. In summary, the available evidence is currently insufficient to determine the role of this variant in disease. Therefore, it has been classified as a Variant of Uncertain Significance.